The following is an entry in ClinVar:

ClinVar aggregate classification (germline): Uncertain significance (1 of 4 stars; one submission).

Conditions:
Emery-Dreifuss muscular dystrophy (EDMD). Also called: Scapuloperoneal syndrome, X-linked (formerly); Humeroperoneal neuromuscular disease, (formerly). Identifiers: Orphanet 261, MedGen C0410189, MONDO:0016830.

Allele frequency attached by ClinVar (database versions not stated): TOPMed below 0.00001; gnomAD 0.00001.
gnomAD v4.1: 3 of 1,613,536 alleles (0.00019%); highest among the groups gnomAD compares: African/African-American, 0.004%; no homozygotes.

Submission:

Labcorp Genetics (formerly Invitae), Labcorp
Classification: Uncertain significance for Emery-Dreifuss muscular dystrophy. Last evaluated: 2023-11-13. Review status: criteria provided, single submitter. Criteria: Invitae Variant Classification Sherloc (09022015). Collection method: clinical testing. Allele origin: germline.
Comment: This sequence change replaces glutamic acid, which is acidic and polar, with glycine, which is neutral and non-polar, at codon 518 of the SUN2 protein (p.Glu518Gly). This variant is present in population databases (no rsID available, gnomAD 0.01%). This variant has not been reported in the literature in individuals affected with SUN2-related conditions. ClinVar contains an entry for this variant (Variation ID: 949790). An algorithm developed to predict the effect of missense changes on protein structure and function (PolyPhen-2) suggests that this variant is likely to be tolerated. In summary, the available evidence is currently insufficient to determine the role of this variant in disease. Therefore, it has been classified as a Variant of Uncertain Significance.

NM_015374.3(SUN2):c.1553A>G (p.Glu518Gly)

Genes: GTPBP1 (GTP binding protein 1; plus strand), SUN2 (Sad1 and UNC84 domain containing 2; minus strand). Cytogenetic location: 22q13.1.
Variant type: single nucleotide variant.
Coding change: c.1553A>G on transcript NM_015374.3 (MANE Select); coding-DNA position 1553, A replaced by G.
Protein change: p.Glu518Gly; replaces glutamic acid 518 with glycine.
Molecular consequence: missense variant.
Genome position (GRCh38, 1-based): chr22:38,739,747, T>C on the plus strand (A>G on the coding strand, the complement: SUN2 is on the minus strand). VCF-style: chr22-38739747-T-C. GRCh37 (hg19) VCF-style: chr22-39135752-T-C.
Other names: c.1616A>G, p.Glu539Gly (NM_001199579.2); c.1553A>G, p.Glu518Gly (NM_001199580.2); short protein forms E518G, E539G.
Identifiers: ClinVar variation 949790 (VCV000949790.9), dbSNP rs1417867039, ClinGen allele CA411584066.